The following is an entry in ClinVar:

NM_194248.3(OTOF):c.1272C>G (p.Tyr424Ter)

Gene: OTOF (otoferlin; minus strand). Cytogenetic location: 2p23.3.
Variant type: single nucleotide variant.
Coding change: c.1272C>G on transcript NM_194248.3 (MANE Select); coding-DNA position 1272, C replaced by G.
Protein change: p.Tyr424Ter; replaces tyrosine 424 with a stop codon.
Molecular consequence: nonsense.
Genome position (GRCh38, 1-based): chr2:26,483,582, G>C on the plus strand (C>G on the coding strand, the complement: OTOF is on the minus strand). VCF-style: chr2-26483582-G-C. GRCh37 (hg19) VCF-style: chr2-26706450-G-C.
Other names: c.1272C>G, p.Tyr424Ter (NM_001287489.2); short protein forms Y424*.
Identifiers: ClinVar variation 2701869 (VCV002701869.4), dbSNP rs1665622456, ClinGen allele CA346136786.

ClinVar aggregate classification (germline): Pathogenic. Review status: criteria provided, single submitter (1 of 4 stars). 2 submissions from 2 submitters: Pathogenic (1). 1 of the submissions does not count toward it. Last evaluated 2023-12-09.

Conditions:
Autosomal recessive nonsyndromic hearing loss 9. Also called: NEUROSENSORY NONSYNDROMIC RECESSIVE DEAFNESS 9; OTOF-Related Hearing Loss; Deafness, autosomal recessive 9; AUDITORY NEUROPATHY, AUTOSOMAL RECESSIVE, 1, TEMPERATURE-SENSITIVE. Identifiers: Orphanet 90636, MedGen C1832828, MONDO:0010986, OMIM 601071.

Submissions (2):

Labcorp Genetics (formerly Invitae), Labcorp
Classification: Pathogenic. Last evaluated: 2023-12-09. Review status: criteria provided, single submitter. Criteria: Invitae Variant Classification Sherloc (09022015). Collection method: clinical testing. Allele origin: germline.
Comment: This sequence change creates a premature translational stop signal (p.Tyr424*) in the OTOF gene. It is expected to result in an absent or disrupted protein product. Loss-of-function variants in OTOF are known to be pathogenic (PMID: 18381613, 19250381, 22575033). This variant is not present in population databases (gnomAD no frequency). This variant has not been reported in the literature in individuals affected with OTOF-related conditions. Algorithms developed to predict the effect of sequence changes on RNA splicing suggest that this variant may disrupt the consensus splice site. For these reasons, this variant has been classified as Pathogenic.

Diagnosis and Treatment Center of Genetic Hearing Loss, Eye & ENT Hospital of Fudan University
Classification: Pathogenic for Autosomal recessive nonsyndromic hearing loss 9. Last evaluated: 2026-02-04. Review status: no assertion criteria provided. Collection method: clinical testing. Allele origin: germline. Inheritance: Autosomal recessive inheritance. Affected: yes. Not counted in ClinVar's aggregate classification.
Comment: The c.1272C>G nonsense variant in OTOF leads to a premature stop codon and predicted NMD (PVS1). It is absent from population databases (PM2_Supporting). It was identified in a homozygous state (PM3_Supporting).

Literature cited by the submitters: PubMed 18381613 (cited by Labcorp Genetics (formerly Invitae), Labcorp); PubMed 19250381 (cited by Labcorp Genetics (formerly Invitae), Labcorp); PubMed 22575033 (cited by Labcorp Genetics (formerly Invitae), Labcorp).